The following is an entry in ClinVar:

NM_174936.4(PCSK9):c.1026_1028delinsGGG (p.Asp343Gly)

Gene: PCSK9 (proprotein convertase subtilisin/kexin type 9; plus strand). Cytogenetic location: 1p32.3.
Variant type: Indel.
Coding change: c.1026_1028delinsGGG on transcript NM_174936.4 (MANE Select); coding-DNA positions 1026 to 1028, AGA replaced by GGG.
Protein change: p.Asp343Gly; replaces aspartic acid 343 with glycine.
Molecular consequence: missense variant.
Genome position (GRCh38, 1-based): chr1:55,057,360-55,057,362, AGA replaced by GGG. VCF-style: chr1-55057360-AGA-GGG. GRCh37 (hg19) VCF-style: chr1-55523033-AGA-GGG.
Other names: c.1149_1151delAGAinsGGG, p.Asp384Gly (NM_001407240.1); c.1026_1028delAGAinsGGG, p.Asp343Gly (NM_001407241.1, NM_001407244.1, NM_001407247.1 and 1 more transcripts); c.1029_1031delAGAinsGGG, p.Asp344Gly (NM_001407242.1); c.969_971delAGAinsGGG, p.Asp324Gly (NM_001407243.1); c.834_836delAGAinsGGG, p.Asp279Gly (NM_001407245.1); c.651_653delAGAinsGGG, p.Asp218Gly (NM_001407246.1); short protein forms D343G, D279G, D384G, D324G, D218G, D344G.
Identifiers: ClinVar variation 1332261 (VCV001332261.5), dbSNP rs2100320056, ClinGen allele CA2573051599.

ClinVar aggregate classification (germline): Uncertain significance (1 of 4 stars; one submission).

Conditions:
Familial hypercholesterolemia. Also called: Familial hypercholesterolaemia. Identifiers: MedGen C0020445, MONDO:0005439.

Submission:

Color Diagnostics, LLC DBA Color Health
Classification: Uncertain significance for Familial hypercholesterolemia. Last evaluated: 2023-12-05. Review status: criteria provided, single submitter. Criteria: ACMG Guidelines, 2015. Collection method: clinical testing. Allele origin: germline.
Comment: This missense variant replaces aspartic acid with glycine at codon 343 of the PCSK9 protein. To our knowledge, functional studies have not been reported for this variant. This variant has not been reported in individuals affected with familial hypercholesterolemia in the literature. This variant has not been identified in the general population by the Genome Aggregation Database (gnomAD). The available evidence is insufficient to determine the role of this variant in disease conclusively. Therefore, this variant is classified as a Variant of Uncertain Significance.